The following is an entry in ClinVar:

NM_013275.6(ANKRD11):c.6677_6680delinsAGA (p.Val2226fs)

Gene: ANKRD11 (ankyrin repeat domain containing 11; minus strand). Cytogenetic location: 16q24.3.
Variant type: Indel.
Coding change: c.6677_6680delinsAGA on transcript NM_013275.6 (MANE Select); coding-DNA positions 6677 to 6680, TGCC replaced by AGA.
Protein change: p.Val2226fs; shifts the reading frame from valine 2226.
Molecular consequence: frameshift variant.
Genome position (GRCh38, 1-based): chr16:89,279,862-89,279,865, GGCA replaced by TCT on the plus strand (TGCC replaced by AGA on the coding strand, the reverse complement: ANKRD11 is on the minus strand). VCF-style: chr16-89279862-GGCA-TCT. GRCh37 (hg19) VCF-style: chr16-89346270-GGCA-TCT.
Other names: c.6677_6680delinsAGA, p.Val2226fs (NM_001256182.2, NM_001256183.2); short protein forms V2226fs.
Identifiers: ClinVar variation 545923 (VCV000545923.2), dbSNP rs1555525476, ClinGen allele CA658824190.

ClinVar aggregate classification (germline): Pathogenic (1 of 4 stars; one submission).

Submission:

GeneDx
Classification: Pathogenic. Last evaluated: 2018-05-02. Review status: criteria provided, single submitter. Criteria: GeneDx Variant Classification (06012015). Collection method: clinical testing. Allele origin: germline. Affected: yes.
Comment: The c.6677_6680delTGCCinsAGA variant in the ANKRD11 gene has not been reported previously as a pathogenic variant nor as a benign variant, to our knowledge. The c.6677_6680delTGCCinsAGA variant causes a frameshift starting with codon Valine 2226, changes this amino acid to a Glutamic acid residue, and creates a premature Stop codon at position 111 of the new reading frame, denoted p.Val2226GlufsX111. This variant is predicted to cause loss of normal protein function either through protein truncation or nonsense-mediated mRNA decay. The c.6677_6680delTGCCinsAGA variant is not observed in large population cohorts (Lek et al., 2016). We interpret c.6677_6680delTGCCinsAGA as a pathogenic variant.